The following is an entry in ClinVar:

NM_177438.3(DICER1):c.877A>G (p.Arg293Gly)

Gene: DICER1 (dicer 1, ribonuclease III; minus strand). Cytogenetic location: 14q32.13.
Variant type: single nucleotide variant.
Coding change: c.877A>G on transcript NM_177438.3 (MANE Select); coding-DNA position 877, A replaced by G.
Protein change: p.Arg293Gly; replaces arginine 293 with glycine.
Molecular consequence: missense variant.
Genome position (GRCh38, 1-based): chr14:95,126,606, T>C on the plus strand (A>G on the coding strand, the complement: DICER1 is on the minus strand). VCF-style: chr14-95126606-T-C. GRCh37 (hg19) VCF-style: chr14-95592943-T-C.
Other names: c.877A>G, p.Arg293Gly (NM_001195573.1, NM_001271282.3, NM_001291628.2 and 1 more transcripts); short protein forms R293G.
Identifiers: ClinVar variation 242150 (VCV000242150.14), dbSNP rs878855277, ClinGen allele CA10583225.

ClinVar aggregate classification (germline): Uncertain significance. Review status: criteria provided, multiple submitters, no conflicts (2 of 4 stars). 3 submissions from 3 submitters: Uncertain significance (3). Last evaluated 2025-11-05.

Conditions:
DICER1-related tumor predisposition. Also called: DICER1 syndrome; DICER1-related pleuropulmonary blastoma cancer predisposition syndrome. Identifiers: Orphanet 284343, MedGen C3839822, MONDO:0100216.
Hereditary cancer-predisposing syndrome. Also called: Neoplastic Syndromes, Hereditary; Tumor predisposition; Hereditary neoplastic syndrome; Hereditary Cancer Syndrome. Identifiers: Orphanet 140162, MedGen C0027672, MeSH D009386, MONDO:0015356.

Allele frequency attached by ClinVar (database versions not stated): gnomAD exomes below 0.00001; gnomAD 0.00001; TOPMed 0.00001.
gnomAD v4.1: 16 of 1,542,136 alleles (0.001%); highest among the groups gnomAD compares: Non-Finnish European, 0.0013%; no homozygotes.

Submissions (3):

Labcorp Genetics (formerly Invitae), Labcorp
Classification: Uncertain significance for DICER1-related tumor predisposition. Last evaluated: 2025-11-05. Review status: criteria provided, single submitter. Criteria: Invitae Variant Classification Sherloc (09022015). Collection method: clinical testing. Allele origin: germline.
Comment: This sequence change replaces arginine, which is basic and polar, with glycine, which is neutral and non-polar, at codon 293 of the DICER1 protein (p.Arg293Gly). This variant is present in population databases (no rsID available, gnomAD 0.0009%). This variant has not been reported in the literature in individuals affected with DICER1-related conditions. ClinVar contains an entry for this variant (Variation ID: 242150). Invitae Evidence Modeling of protein sequence and biophysical properties (such as structural, functional, and spatial information, amino acid conservation, physicochemical variation, residue mobility, and thermodynamic stability) indicates that this missense variant is not expected to disrupt DICER1 protein function with a negative predictive value of 95%. In summary, the available evidence is currently insufficient to determine the role of this variant in disease. Therefore, it has been classified as a Variant of Uncertain Significance.

Ambry Genetics
Classification: Uncertain significance for Hereditary cancer-predisposing syndrome. Last evaluated: 2023-10-23. Review status: criteria provided, single submitter. Criteria: Ambry Variant Classification Scheme 2023. Collection method: clinical testing. Allele origin: germline.
Comment: The p.R293G variant (also known as c.877A>G), located in coding exon 6 of the DICER1 gene, results from an A to G substitution at nucleotide position 877. The arginine at codon 293 is replaced by glycine, an amino acid with dissimilar properties. This amino acid position is well conserved in available vertebrate species. In addition, this alteration is predicted to be tolerated by in silico analysis. Since supporting evidence is limited at this time, the clinical significance of this alteration remains unclear.

GeneDx
Classification: Uncertain significance. Last evaluated: 2023-02-01. Review status: criteria provided, single submitter. Criteria: GeneDx Variant Classification Process June 2021. Collection method: clinical testing. Allele origin: germline. Affected: yes.
Comment: Not observed at significant frequency in large population cohorts (gnomAD); In silico analysis supports that this missense variant does not alter protein structure/function; Has not been previously published as pathogenic or benign to our knowledge